The following is an entry in ClinVar:

ClinVar aggregate classification (germline): Uncertain significance (1 of 4 stars; one submission).

gnomAD v4.1: 1 of 1,612,396 alleles (0.000062%); highest among the groups gnomAD compares: Non-Finnish European, 0.000085%; no homozygotes.

Submission:

Labcorp Genetics (formerly Invitae), Labcorp
Classification: Uncertain significance. Last evaluated: 2024-10-28. Review status: criteria provided, single submitter. Criteria: Invitae Variant Classification Sherloc (09022015). Collection method: clinical testing. Allele origin: germline.
Comment: This sequence change replaces isoleucine, which is neutral and non-polar, with valine, which is neutral and non-polar, at codon 2896 of the DNAH9 protein (p.Ile2896Val). This variant is not present in population databases (gnomAD no frequency). This variant has not been reported in the literature in individuals affected with DNAH9-related conditions. Invitae Evidence Modeling of protein sequence and biophysical properties (such as structural, functional, and spatial information, amino acid conservation, physicochemical variation, residue mobility, and thermodynamic stability) indicates that this missense variant is not expected to disrupt DNAH9 protein function with a negative predictive value of 80%. In summary, the available evidence is currently insufficient to determine the role of this variant in disease. Therefore, it has been classified as a Variant of Uncertain Significance.

NM_001372.4(DNAH9):c.8686A>G (p.Ile2896Val)

Gene: DNAH9 (dynein axonemal heavy chain 9; plus strand). Cytogenetic location: 17p12.
Variant type: single nucleotide variant.
Coding change: c.8686A>G on transcript NM_001372.4 (MANE Select); coding-DNA position 8686, A replaced by G.
Protein change: p.Ile2896Val; replaces isoleucine 2896 with valine.
Molecular consequence: missense variant.
Genome position (GRCh38, 1-based): chr17:11,810,348, A>G. VCF-style: chr17-11810348-A-G. GRCh37 (hg19) VCF-style: chr17-11713665-A-G.
Other names: short protein forms I2896V.
Identifiers: ClinVar variation 3714650 (VCV003714650.2).
Genomic context (GRCh38, chr17:11,810,348, plus strand): 5'-CTCAACACAGTGTTTCTCATGACTGATGCCCAAGTGGCTGATGAGAGGTTCCTTGTGCTC[A>G]TCAATGATCTTTTGGCATCTGGTAAGAGATTCCTTGCACTTGGTGTCACTGATAAATTCC-3'
Protein context (NP_001363.2, residues 2886-2906): QVADERFLVL[Ile2896Val]NDLLASGEIP